The following is an entry in ClinVar:

ClinVar aggregate classification (germline): Uncertain significance (1 of 4 stars; one submission).

Submission:

CeGaT Center for Human Genetics Tuebingen
Classification: Uncertain significance. Last evaluated: 2023-02-01. Review status: criteria provided, single submitter. Criteria: CeGaT Center For Human Genetics Tuebingen Variant Classification Criteria Version 2. Collection method: clinical testing. Allele origin: germline. Affected: yes. Observed: 1 variant allele.
Comment: ZFPM2: PM2

NM_012082.4(ZFPM2):c.2638A>G (p.Thr880Ala)

Genes: ZFPM2 (zinc finger protein, FOG family member 2; plus strand), ZFPM2-AS1 (ZFPM2 antisense RNA 1; minus strand), LOC126860469 (BRD4-independent group 4 enhancer GRCh37_chr8:106814445-106815644; plus strand). Cytogenetic location: 8q23.1.
Variant type: single nucleotide variant.
Coding change: c.2638A>G on transcript NM_012082.4 (MANE Select); coding-DNA position 2638, A replaced by G.
Protein change: p.Thr880Ala; replaces threonine 880 with alanine.
Molecular consequence: missense variant.
Genome position (GRCh38, 1-based): chr8:105,802,720, A>G. VCF-style: chr8-105802720-A-G. GRCh37 (hg19) VCF-style: chr8-106814948-A-G.
Other names: c.2479A>G, p.Thr827Ala (NM_001362836.2); c.2242A>G, p.Thr748Ala (NM_001362837.2); short protein forms T748A, T827A, T880A.
Identifiers: ClinVar variation 2658743 (VCV002658743.24), dbSNP rs2488161080, ClinGen allele CA371954699.